The following is an entry in ClinVar:

NM_000051.4(ATM):c.194A>G (p.Gln65Arg)

Gene: ATM (ATM serine/threonine kinase; plus strand). Cytogenetic location: 11q22.3.
Variant type: single nucleotide variant.
Coding change: c.194A>G on transcript NM_000051.4 (MANE Select); coding-DNA position 194, A replaced by G.
Protein change: p.Gln65Arg; replaces glutamine 65 with arginine.
Molecular consequence: missense variant.
Genome position (GRCh38, 1-based): chr11:108,229,186, A>G. VCF-style: chr11-108229186-A-G. GRCh37 (hg19) VCF-style: chr11-108099913-A-G.
Other names: c.194A>G, p.Gln65Arg (NM_001351834.2, NM_001351835.2, NM_001351836.2); short protein forms Q65R.
Identifiers: ClinVar variation 481162 (VCV000481162.14), dbSNP rs760471526, ClinGen allele CA6264535.

ClinVar aggregate classification (germline): Uncertain significance. Review status: criteria provided, multiple submitters, no conflicts (2 of 4 stars). 3 submissions from 3 submitters: Uncertain significance (3). Last evaluated 2025-10-23.

Conditions:
Hereditary cancer-predisposing syndrome. Also called: Hereditary neoplastic syndrome; Neoplastic Syndromes, Hereditary; Tumor predisposition; Hereditary Cancer Syndrome. Identifiers: Orphanet 140162, MedGen C0027672, MeSH D009386, MONDO:0015356.
Ataxia-telangiectasia syndrome (AT). Also called: LOUIS-BAR SYNDROME; Cerebello-oculocutaneous telangiectasia; Immunodeficiency with ataxia telangiectasia; AT, COMPLEMENTATION GROUP C; Ataxia-telangiectasia, complementation group D; ATAXIA-TELANGIECTASIA, COMPLEMENTATION GROUP A. Identifiers: Orphanet 100, MedGen C0004135, MONDO:0008840, OMIM 208900.

Allele frequency attached by ClinVar (database versions not stated): gnomAD exomes below 0.00001; ExAC 0.00001.
gnomAD v4.1: 1 of 1,611,310 alleles (0.000062%); highest among the groups gnomAD compares: Non-Finnish European, 0.000085%; no homozygotes.

Submissions (3):

Labcorp Genetics (formerly Invitae), Labcorp
Classification: Uncertain significance for Ataxia-telangiectasia syndrome. Last evaluated: 2025-10-23. Review status: criteria provided, single submitter. Criteria: Invitae Variant Classification Sherloc (09022015). Collection method: clinical testing. Allele origin: germline.
Comment: This sequence change replaces glutamine, which is neutral and polar, with arginine, which is basic and polar, at codon 65 of the ATM protein (p.Gln65Arg). This variant is present in population databases (rs760471526, gnomAD 0.0009%). This variant has not been reported in the literature in individuals affected with ATM-related conditions. ClinVar contains an entry for this variant (Variation ID: 481162). Invitae Evidence Modeling of protein sequence and biophysical properties (such as structural, functional, and spatial information, amino acid conservation, physicochemical variation, residue mobility, and thermodynamic stability) indicates that this missense variant is not expected to disrupt ATM protein function with a negative predictive value of 95%. In summary, the available evidence is currently insufficient to determine the role of this variant in disease. Therefore, it has been classified as a Variant of Uncertain Significance.

Ambry Genetics
Classification: Uncertain significance for Hereditary cancer-predisposing syndrome. Last evaluated: 2024-02-22. Review status: criteria provided, single submitter. Criteria: Ambry Variant Classification Scheme 2023. Collection method: clinical testing. Allele origin: germline.
Comment: The p.Q65R variant (also known as c.194A>G), located in coding exon 3 of the ATM gene, results from an A to G substitution at nucleotide position 194. The glutamine at codon 65 is replaced by arginine, an amino acid with highly similar properties. This alteration was identified in a cohort of 3,579 African males diagnosed with prostate cancer who underwent multi-gene panel testing (Matejcic M et al. JCO Precis Oncol, 2020 Jan;4:32-43). This amino acid position is highly conserved in available vertebrate species. In addition, the in silico prediction for this alteration is inconclusive. Since supporting evidence is limited at this time, the clinical significance of this alteration remains unclear.

GeneDx
Classification: Uncertain significance. Last evaluated: 2022-12-15. Review status: criteria provided, single submitter. Criteria: GeneDx Variant Classification Process June 2021. Collection method: clinical testing. Allele origin: germline. Affected: yes.
Comment: Not observed at significant frequency in large population cohorts (gnomAD); In silico analysis supports that this missense variant does not alter protein structure/function; Has not been previously published as pathogenic or benign to our knowledge

Literature cited by the submitters: PubMed 32832836 (cited by Ambry Genetics).